The following is an entry in ClinVar:

ClinVar aggregate classification (germline): Uncertain significance (1 of 4 stars; one submission).

Conditions:
Osteogenesis imperfecta type I (OI1). Also called: OI, TYPE I; OSTEOGENESIS IMPERFECTA TARDA; OSTEOGENESIS IMPERFECTA WITH BLUE SCLERAE; Osteogenesis imperfecta type 1; Classic Non-deforming Osteogenesis Imperfecta with Blue Sclerae; Lobstein's Disease. Identifiers: Orphanet 216796, Orphanet 666, MedGen C0023931, MONDO:0008146, OMIM 166200. Disease mechanism: loss of function.

gnomAD v4.1: 4 of 1,613,884 alleles (0.00025%); highest among the groups gnomAD compares: Non-Finnish European, 0.00025%; no homozygotes.

Submission:

Labcorp Genetics (formerly Invitae), Labcorp
Classification: Uncertain significance for Osteogenesis imperfecta type I. Last evaluated: 2026-02-01. Review status: criteria provided, single submitter. Criteria: Invitae Variant Classification Sherloc (09022015). Collection method: clinical testing. Allele origin: germline.
Comment: This sequence change falls in intron 42 of the COL1A1 gene. It does not directly change the encoded amino acid sequence of the COL1A1 protein. It affects a nucleotide within the consensus splice site. This variant is present in population databases (rs759759248, gnomAD 0.004%). This variant has not been reported in the literature in individuals affected with COL1A1-related conditions. Variants that disrupt the consensus splice site are a relatively common cause of aberrant splicing (PMID: 17576681, 9536098). Algorithms developed to predict the effect of sequence changes on RNA splicing suggest that this variant is not likely to affect RNA splicing. In summary, the available evidence is currently insufficient to determine the role of this variant in disease. Therefore, it has been classified as a Variant of Uncertain Significance.

Literature cited by the submitters: PubMed 17576681; PubMed 9536098.

NM_000088.4(COL1A1):c.3099+6A>G

Gene: COL1A1 (collagen type I alpha 1 chain; minus strand). Cytogenetic location: 17q21.33.
Variant type: single nucleotide variant.
Coding change: c.3099+6A>G on transcript NM_000088.4 (MANE Select); 6 bases into the intron after coding-DNA position 3099, A replaced by G.
Molecular consequence: intron variant.
Genome position (GRCh38, 1-based): chr17:50,188,736, T>C on the plus strand (A>G on the coding strand, the complement: COL1A1 is on the minus strand). VCF-style: chr17-50188736-T-C. GRCh37 (hg19) VCF-style: chr17-48266097-T-C.
Identifiers: ClinVar variation 4705976 (VCV004705976.1).
Genomic context (GRCh38, chr17:50,188,736, plus strand): 5'-TGAAGGGCCAGGATGGGGCAGGGAAGCAGCAGACAAGGCTGTGGTCATGGAGTGTTGCCA[T>C]CTTACCTTGGCGCCAGGAGAACCGTCTCGTCCAGGGGAACCTTCGGCACCAGGAGCCCCC-3'